The following is an entry in ClinVar:

ClinVar aggregate classification (germline): Uncertain significance. Review status: criteria provided, multiple submitters, no conflicts (2 of 4 stars). 2 submissions from 2 submitters: Uncertain significance (2). Last evaluated 2024-05-14.

Conditions:
Parathyroid carcinoma (PRTC). Also called: CDC73-Related Parathyroid Carcinoma; Parathyroid gland carcinoma. Identifiers: Orphanet 143, MedGen C0687150, MONDO:0012004, OMIM 608266, HP:0006780.

Allele frequency attached by ClinVar (database versions not stated): gnomAD exomes below 0.00001.
gnomAD v4.1: 1 of 1,613,062 alleles (0.000062%); highest among the groups gnomAD compares: African/African-American, 0.0013%; no homozygotes.

Submissions (2):

Labcorp Genetics (formerly Invitae), Labcorp
Classification: Uncertain significance for Parathyroid carcinoma. Last evaluated: 2024-05-14. Review status: criteria provided, single submitter. Criteria: Invitae Variant Classification Sherloc (09022015). Collection method: clinical testing. Allele origin: germline.
Comment: This sequence change replaces alanine, which is neutral and non-polar, with serine, which is neutral and polar, at codon 329 of the CDC73 protein (p.Ala329Ser). This variant is present in population databases (no rsID available, gnomAD 0.007%). This variant has not been reported in the literature in individuals affected with CDC73-related conditions. ClinVar contains an entry for this variant (Variation ID: 939635). Advanced modeling of protein sequence and biophysical properties (such as structural, functional, and spatial information, amino acid conservation, physicochemical variation, residue mobility, and thermodynamic stability) performed at Invitae indicates that this missense variant is not expected to disrupt CDC73 protein function with a negative predictive value of 80%. In summary, the available evidence is currently insufficient to determine the role of this variant in disease. Therefore, it has been classified as a Variant of Uncertain Significance.

GeneDx
Classification: Uncertain significance. Last evaluated: 2023-10-25. Review status: criteria provided, single submitter. Criteria: GeneDx Variant Classification Process June 2021. Collection method: clinical testing. Allele origin: germline. Affected: yes.
Comment: Not observed at significant frequency in large population cohorts (gnomAD); In silico analysis supports that this missense variant does not alter protein structure/function; Has not been previously published as pathogenic or benign to our knowledge; This variant is associated with the following publications: (PMID: 15923622, 15632063)

NM_024529.5(CDC73):c.985G>T (p.Ala329Ser)

Gene: CDC73 (cell division cycle 73; plus strand). Cytogenetic location: 1q31.2.
Variant type: single nucleotide variant.
Coding change: c.985G>T on transcript NM_024529.5 (MANE Select); coding-DNA position 985, G replaced by T.
Protein change: p.Ala329Ser; replaces alanine 329 with serine.
Molecular consequence: missense variant.
Genome position (GRCh38, 1-based): chr1:193,203,807, G>T. VCF-style: chr1-193203807-G-T. GRCh37 (hg19) VCF-style: chr1-193172937-G-T.
Other names: short protein forms A329S.
Identifiers: ClinVar variation 939635 (VCV000939635.11), dbSNP rs1436120903, ClinGen allele CA344076103.